The following is an entry in ClinVar:

NM_001134673.4(NFIA):c.1153C>T (p.His385Tyr)

Gene: NFIA (nuclear factor I A; plus strand). Cytogenetic location: 1p31.3.
Variant type: single nucleotide variant.
Coding change: c.1153C>T on transcript NM_001134673.4 (MANE Select); coding-DNA position 1153, C replaced by T.
Protein change: p.His385Tyr; replaces histidine 385 with tyrosine.
Molecular consequence: missense variant.
Genome position (GRCh38, 1-based): chr1:61,404,181, C>T. VCF-style: chr1-61404181-C-T. GRCh37 (hg19) VCF-style: chr1-61869853-C-T.
Other names: c.1129C>T, p.His377Tyr (NM_001145511.2); c.1288C>T, p.His430Tyr (NM_001145512.2); c.1153C>T, p.His385Tyr (NM_005595.5); short protein forms H385Y, H377Y, H430Y.
Identifiers: ClinVar variation 2799996 (VCV002799996.3), dbSNP rs2525304366, ClinGen allele CA340589169.

ClinVar aggregate classification (germline): Uncertain significance (1 of 4 stars; one submission).

Submission:

Labcorp Genetics (formerly Invitae), Labcorp
Classification: Uncertain significance. Last evaluated: 2022-10-27. Review status: criteria provided, single submitter. Criteria: Invitae Variant Classification Sherloc (09022015). Collection method: clinical testing. Allele origin: germline.
Comment: This variant has not been reported in the literature in individuals affected with NFIA-related conditions. Algorithms developed to predict the effect of missense changes on protein structure and function (SIFT, PolyPhen-2, Align-GVGD) all suggest that this variant is likely to be disruptive. In summary, the available evidence is currently insufficient to determine the role of this variant in disease. Therefore, it has been classified as a Variant of Uncertain Significance. This variant is not present in population databases (gnomAD no frequency). This sequence change replaces histidine, which is basic and polar, with tyrosine, which is neutral and polar, at codon 385 of the NFIA protein (p.His385Tyr).